The following is an entry in ClinVar:

ClinVar aggregate classification (germline): Uncertain significance (1 of 4 stars; one submission).

Conditions:
ABCC12-related condition.

Submission:

PreventionGenetics, part of Exact Sciences
Classification: Uncertain significance for ABCC12-related condition. Last evaluated: 2026-06-14. Review status: criteria provided, single submitter. Criteria: ACMG Guidelines, 2015. Collection method: clinical testing. Allele origin: germline.
Comment: The ABCC12 c.3061_3069dup9 variant is predicted to result in an in-frame duplication (p.Ala1021_Arg1023dup). To our knowledge, this variant has not been reported in the literature or in a large population database (gnomAD), indicating this variant is rare. At this time, the clinical significance of this variant is uncertain due to the absence of conclusive functional and genetic evidence.

NM_001393797.1(ABCC12):c.3061_3069dup (p.Arg1023_Trp1024insAlaLeuArg)

Gene: ABCC12 (ATP binding cassette subfamily C member 12; minus strand). Cytogenetic location: 16q12.1.
Variant type: Duplication.
Coding change: c.3061_3069dup on transcript NM_001393797.1 (MANE Select); coding-DNA positions 3061 to 3069, 9 bases duplicated (GCTCTCAGG; older notation c.3061_3069dupGCTCTCAGG).
Protein change: p.Arg1023_Trp1024insAlaLeuArg.
Molecular consequence: inframe insertion. On other transcripts: non-coding transcript variant (6).
Genome position (GRCh38, 1-based): chr16:48,096,872-48,096,880, CCTGAGAGC duplicated on the plus strand (GCTCTCAGG on the coding strand, the reverse complement: ABCC12 is on the minus strand). VCF-style (leftmost placement, unchanged base first): chr16-48096871-A-ACCTGAGAGC. GRCh37 (hg19) VCF-style: chr16-48130782-A-ACCTGAGAGC.
Other names: c.3061_3069dup, p.Arg1023_Trp1024insAlaLeuArg (NM_033226.3).
Identifiers: ClinVar variation 4995685 (VCV004995685.1).